The following is an entry in ClinVar:

ClinVar aggregate classification (germline): Benign/Likely benign. Review status: criteria provided, multiple submitters, no conflicts (2 of 4 stars). 6 submissions from 6 submitters: Benign (1); Likely benign (4). 1 of the submissions does not count toward it. Last evaluated 2025-12-19.

Conditions:
Knobloch syndrome (KNO). Also called: Myopia retinal detachment encephalocele; RETINAL DETACHMENT AND OCCIPITAL ENCEPHALOCELE. Identifiers: Orphanet 1571, MedGen C1849409, MONDO:0800166.
Inborn genetic diseases. Identifiers: MedGen C0950123, MeSH D030342.
COL18A1-related disorder. Also called: COL18A1-related condition; COL18A1-related disorders.

Allele frequency attached by ClinVar (database versions not stated): ESP Exome Variant Server 0.00008; gnomAD 0.00026 and 0.00038; gnomAD exomes 0.00038 and 0.00080; TOPMed 0.00048; ExAC 0.00080; 1000 Genomes Project 30x 0.00187; 1000 Genomes Project 0.00220.

Submissions (6):

Labcorp Genetics (formerly Invitae), Labcorp
Classification: Benign. Last evaluated: 2025-12-19. Review status: criteria provided, single submitter. Criteria: Invitae Variant Classification Sherloc (09022015). Collection method: clinical testing. Allele origin: germline.

CeGaT Center for Human Genetics Tuebingen
Classification: Likely benign. Last evaluated: 2025-07-01. Review status: criteria provided, single submitter. Criteria: CeGaT Center For Human Genetics Tuebingen Variant Classification Criteria Version 2. Collection method: clinical testing. Allele origin: germline. Affected: yes. Observed: 1 variant allele.
Comment: COL18A1: BS1

Blueprint Genetics
Classification: Likely benign. Last evaluated: 2024-11-20. Review status: criteria provided, single submitter. Criteria: ACMG Guidelines, 2015. Collection method: clinical testing. Allele origin: germline.

Ambry Genetics
Classification: Likely benign for Inborn genetic diseases. Last evaluated: 2024-04-22. Review status: criteria provided, single submitter. Criteria: Ambry Variant Classification Scheme 2023. Collection method: clinical testing. Allele origin: germline.

Illumina Laboratory Services, Illumina
Classification: Likely benign for Knobloch syndrome 1. Last evaluated: 2018-01-12. Review status: criteria provided, single submitter. Criteria: ICSL Variant Classification Criteria 13 December 2019. Collection method: clinical testing. Allele origin: germline.
Comment: This variant was observed in the ICSL laboratory as part of a predisposition screen in an ostensibly healthy population. It had not been previously curated by ICSL or reported in the Human Gene Mutation Database (HGMD: prior to June 1st, 2018), and was therefore a candidate for classification through an automated scoring system. Utilizing variant allele frequency, disease prevalence and penetrance estimates, and inheritance mode, an automated score was calculated to assess if this variant is too frequent to cause the disease. Based on the score and internal cut-off values, a variant classified as likely benign is not then subjected to further curation. The score for this variant resulted in a classification of likely benign for this disease.

PreventionGenetics, part of Exact Sciences
Classification: Benign for COL18A1-related condition. Last evaluated: 2019-10-04. Review status: no assertion criteria provided. Collection method: clinical testing. Allele origin: germline. Not counted in ClinVar's aggregate classification.
Comment: This variant is classified as benign based on ACMG/AMP sequence variant interpretation guidelines (Richards et al. 2015 PMID: 25741868, with internal and published modifications).

NM_001379500.1(COL18A1):c.604G>A (p.Gly202Arg)

Gene: COL18A1 (collagen type XVIII alpha 1 chain; plus strand). Cytogenetic location: 21q22.3.
Variant type: single nucleotide variant.
Coding change: c.604G>A on transcript NM_001379500.1 (MANE Select); coding-DNA position 604, G replaced by A.
Protein change: p.Gly202Arg; replaces glycine 202 with arginine.
Molecular consequence: missense variant.
Genome position (GRCh38, 1-based): chr21:45,468,739, G>A. VCF-style: chr21-45468739-G-A. GRCh37 (hg19) VCF-style: chr21-46888653-G-A.
Other names: NM_130445.2:c.604G>A; c.1144G>A (NM_030582.3); c.1144G>A, p.Gly382Arg (NM_030582.4); c.1849G>A, p.Gly617Arg (NM_130444.3); short protein forms G382R, G617R.
Identifiers: ClinVar variation 340196 (VCV000340196.25), dbSNP rs373735265, ClinGen allele CA10065794.